The following is an entry in ClinVar:

ClinVar aggregate classification (germline): Benign (0 of 4 stars; one submission).

Conditions:
CHD1L-related disorder. Also called: CHD1L-related condition.

Allele frequency attached by ClinVar (database versions not stated): gnomAD exomes 0.00008; gnomAD 0.00011; 1000 Genomes Project 30x 0.00016; TOPMed 0.00019; 1000 Genomes Project 0.00020; ExAC 0.00024.
gnomAD v4.1: 135 of 1,613,764 alleles (0.0084%); highest among the groups gnomAD compares: East Asian, 0.29%; 1 homozygote.

Submission:

PreventionGenetics, part of Exact Sciences
Classification: Benign for CHD1L-related condition. Last evaluated: 2023-12-15. Review status: no assertion criteria provided. Collection method: clinical testing. Allele origin: germline.
Comment: This variant is classified as benign based on ACMG/AMP sequence variant interpretation guidelines (Richards et al. 2015 PMID: 25741868, with internal and published modifications).

NM_004284.6(CHD1L):c.849A>C (p.Ser283=)

Gene: CHD1L (chromodomain helicase DNA binding protein 1 like; plus strand). Cytogenetic location: 1q21.1.
Variant type: single nucleotide variant.
Coding change: c.849A>C on transcript NM_004284.6 (MANE Select); coding-DNA position 849, A replaced by C.
Protein change: p.Ser283=; no amino-acid change (serine 283 retained).
Molecular consequence: synonymous variant. On other transcripts: non-coding transcript variant (15).
Genome position (GRCh38, 1-based): chr1:147,266,041, A>C. VCF-style: chr1-147266041-A-C. GRCh37 (hg19) VCF-style: chr1-146737700-A-C.
Other names: c.549A>C, p.Ser183= (NM_001256336.3); c.6A>C, p.Ser2= (NM_001256337.3, NM_001348456.2, NM_001348457.2 and 9 more transcripts); c.237A>C, p.Ser79= (NM_001256338.3); c.633A>C, p.Ser211= (NM_001348451.2, NM_001348452.2); c.510A>C, p.Ser170= (NM_001348453.2, NM_024568.4); c.393A>C, p.Ser131= (NM_001348454.2); c.360A>C, p.Ser120= (NM_001348455.2).
Identifiers: ClinVar variation 3057589 (VCV003057589.2), dbSNP rs111296687, ClinGen allele CA1063429.
Genomic context (GRCh38, chr1:147,266,041, plus strand): 5'-AGCTGAGGTAGCTACAGAGCTTCCCAAGAAGACAGAAGTAGTGATATACCATGGCATGTC[A>C]GCATTGCAGAAGAAATACTACAAGGCCATTTTGATGAAAGACCTAGGTAATCAGAGGGCA-3'
Protein context (NP_004275.4, residues 273-293): KTEVVIYHGM[Ser283=]ALQKKYYKAI